The following is an entry in ClinVar:

NM_001283009.2(RTEL1):c.2044T>C (p.Trp682Arg)

Genes: RTEL1 (regulator of telomere elongation helicase 1; plus strand), RTEL1-TNFRSF6B (RTEL1-TNFRSF6B readthrough (NMD candidate); plus strand). Cytogenetic location: 20q13.33.
Variant type: single nucleotide variant.
Coding change: c.2044T>C on transcript NM_001283009.2 (MANE Select); coding-DNA position 2044, T replaced by C.
Protein change: p.Trp682Arg; replaces tryptophan 682 with arginine.
Molecular consequence: missense variant. On other transcripts: non-coding transcript variant (1).
Genome position (GRCh38, 1-based): chr20:63,689,768, T>C. VCF-style: chr20-63689768-T-C. GRCh37 (hg19) VCF-style: chr20-62321121-T-C.
Other names: c.1375T>C, p.Trp459Arg (NM_001283010.1); c.2044T>C, p.Trp682Arg (NM_016434.4); c.2116T>C, p.Trp706Arg (NM_032957.5); short protein forms W459R, W682R, W706R.
Identifiers: ClinVar variation 4157578 (VCV004157578.1).

ClinVar aggregate classification (germline): Uncertain significance (1 of 4 stars; one submission).

Conditions:
Inborn genetic diseases. Identifiers: MedGen C0950123, MeSH D030342.

Submission:

Ambry Genetics
Classification: Uncertain significance for Inborn genetic diseases. Last evaluated: 2025-06-27. Review status: criteria provided, single submitter. Criteria: Ambry Variant Classification Scheme 2023. Collection method: clinical testing. Allele origin: germline.
Comment: The p.W682R variant (also known as c.2044T>C), located in coding exon 23 of the RTEL1 gene, results from a T to C substitution at nucleotide position 2044. The tryptophan at codon 682 is replaced by arginine, an amino acid with dissimilar properties. This amino acid position is conserved. In addition, this alteration is predicted to be deleterious by in silico analysis. Based on the available evidence, the clinical significance of this variant remains unclear.